The following is an entry in ClinVar:

ClinVar aggregate classification (germline): Uncertain significance (1 of 4 stars; one submission).

Conditions:
Cardiovascular phenotype. Identifiers: MedGen CN230736.

Submission:

Ambry Genetics
Classification: Uncertain significance for Cardiovascular phenotype. Last evaluated: 2024-02-01. Review status: criteria provided, single submitter. Criteria: Ambry Variant Classification Scheme 2023. Collection method: clinical testing. Allele origin: germline.
Comment: The p.S86G variant (also known as c.256A>G), located in coding exon 1 of the GATA4 gene, results from an A to G substitution at nucleotide position 256. The serine at codon 86 is replaced by glycine, an amino acid with similar properties. This amino acid position is conserved. In addition, the in silico prediction for this alteration is inconclusive. Based on the available evidence, the clinical significance of this alteration remains unclear.

NM_001308093.3(GATA4):c.256A>G (p.Ser86Gly)

Gene: GATA4 (GATA binding protein 4). Cytogenetic location: 8p23.1.
Variant type: single nucleotide variant.
Coding change: c.256A>G on transcript NM_001308093.3 (MANE Select); coding-DNA position 256, A replaced by G.
Protein change: p.Ser86Gly; replaces serine 86 with glycine.
Molecular consequence: missense variant. On other transcripts: intron variant (3).
Genome position (GRCh38, 1-based): chr8:11,708,568, A>G. VCF-style: chr8-11708568-A-G. GRCh37 (hg19) VCF-style: chr8-11566077-A-G.
Other names: c.256A>G, p.Ser86Gly (NM_002052.5); c.-6+7790A>G (NM_001308094.2); c.-3+554A>G (NM_001374274.1); c.-3+4264A>G (NM_001374273.1); short protein forms S86G.
Identifiers: ClinVar variation 3221988 (VCV003221988.1), dbSNP rs2486780134, ClinGen allele CA370309250.